The following is an entry in ClinVar:

ClinVar aggregate classification (germline): Uncertain significance. Review status: criteria provided, multiple submitters, no conflicts (2 of 4 stars). 2 submissions from 2 submitters: Uncertain significance (2). Last evaluated 2022-07-31.

Conditions:
Cone-rod dystrophy 6 (CORD6). Also called: RETINAL CONE DYSTROPHY 2; Cone dystrophy progressive. Identifiers: Orphanet 1872, MedGen C1866293, MONDO:0011143, OMIM 601777.
Leber congenital amaurosis 1 (LCA1). Also called: Congenital absence of the rods and cones; Leber's congenital tapetoretinal degeneration; Leber's congenital tapetoretinal dysplasia; RETINAL BLINDNESS, CONGENITAL; AMAUROSIS CONGENITA OF LEBER I. Identifiers: Orphanet 65, MedGen C2931258, MONDO:0008764, OMIM 204000.

Submissions (2):

Labcorp Genetics (formerly Invitae), Labcorp
Classification: Uncertain significance for Leber congenital amaurosis 1; Cone-rod dystrophy 6. Last evaluated: 2022-07-31. Review status: criteria provided, single submitter. Criteria: Invitae Variant Classification Sherloc (09022015). Collection method: clinical testing. Allele origin: germline.
Comment: This sequence change replaces isoleucine, which is neutral and non-polar, with threonine, which is neutral and polar, at codon 735 of the GUCY2D protein (p.Ile735Thr). This variant is not present in population databases (gnomAD no frequency). This variant has not been reported in the literature in individuals affected with GUCY2D-related conditions. ClinVar contains an entry for this variant (Variation ID: 955505). Algorithms developed to predict the effect of missense changes on protein structure and function (SIFT, PolyPhen-2, Align-GVGD) all suggest that this variant is likely to be disruptive. In summary, the available evidence is currently insufficient to determine the role of this variant in disease. Therefore, it has been classified as a Variant of Uncertain Significance.

Blueprint Genetics
Classification: Uncertain significance. Last evaluated: 2022-05-20. Review status: criteria provided, single submitter. Criteria: ACMG Guidelines, 2015. Collection method: clinical testing. Allele origin: germline.

NM_000180.4(GUCY2D):c.2204T>C (p.Ile735Thr)

Gene: GUCY2D (guanylate cyclase 2D, retinal; plus strand). Cytogenetic location: 17p13.1.
Variant type: single nucleotide variant.
Coding change: c.2204T>C on transcript NM_000180.4 (MANE Select); coding-DNA position 2204, T replaced by C.
Protein change: p.Ile735Thr; replaces isoleucine 735 with threonine.
Molecular consequence: missense variant.
Genome position (GRCh38, 1-based): chr17:8,013,193, T>C. VCF-style: chr17-8013193-T-C. GRCh37 (hg19) VCF-style: chr17-7916511-T-C.
Other names: short protein forms I735T.
Identifiers: ClinVar variation 955505 (VCV000955505.10), dbSNP rs1975891409, ClinGen allele CA397952915.